The following is an entry in ClinVar:

ClinVar aggregate classification (germline): Uncertain significance. Review status: criteria provided, multiple submitters, no conflicts (2 of 4 stars). 2 submissions from 2 submitters: Uncertain significance (2). Last evaluated 2025-06-17.

Allele frequency attached by ClinVar (database versions not stated): gnomAD exomes below 0.00001.
gnomAD v4.1: 1 of 1,612,140 alleles (0.000062%); highest among the groups gnomAD compares: Non-Finnish European, 0.000085%; no homozygotes.

Submissions (2):

Ambry Genetics
Classification: Uncertain significance. Last evaluated: 2025-06-17. Review status: criteria provided, single submitter. Criteria: Ambry Variant Classification Scheme 2023. Collection method: clinical testing. Allele origin: germline.

Labcorp Genetics (formerly Invitae), Labcorp
Classification: Uncertain significance. Last evaluated: 2021-12-21. Review status: criteria provided, single submitter. Criteria: Invitae Variant Classification Sherloc (09022015). Collection method: clinical testing. Allele origin: germline.
Comment: In summary, the available evidence is currently insufficient to determine the role of this variant in disease. Therefore, it has been classified as a Variant of Uncertain Significance. Algorithms developed to predict the effect of missense changes on protein structure and function are either unavailable or do not agree on the potential impact of this missense change (SIFT: "Deleterious"; PolyPhen-2: "Benign"; Align-GVGD: "Class C0"). This variant has not been reported in the literature in individuals affected with PLEKHM2-related conditions. This variant is not present in population databases (gnomAD no frequency). This sequence change replaces methionine, which is neutral and non-polar, with valine, which is neutral and non-polar, at codon 720 of the PLEKHM2 protein (p.Met720Val).

NM_015164.4(PLEKHM2):c.2158A>G (p.Met720Val)

Gene: PLEKHM2 (pleckstrin homology and RUN domain containing M2; plus strand). Cytogenetic location: 1p36.21.
Variant type: single nucleotide variant.
Coding change: c.2158A>G on transcript NM_015164.4 (MANE Select); coding-DNA position 2158, A replaced by G.
Protein change: p.Met720Val; replaces methionine 720 with valine.
Molecular consequence: missense variant.
Genome position (GRCh38, 1-based): chr1:15,729,879, A>G. VCF-style: chr1-15729879-A-G. GRCh37 (hg19) VCF-style: chr1-16056374-A-G.
Other names: c.2098A>G, p.Met700Val (NM_001410755.1); c.2158A>G (NM_015164.2); short protein forms M720V, M700V.
Identifiers: ClinVar variation 2192219 (VCV002192219.5), dbSNP rs2522459877, ClinGen allele CA338570044.
Genomic context (GRCh38, chr1:15,729,879, plus strand): 5'-TCAGCCATGATCAAAGGCTGTCGAGAACCTCCCTACCCCAGCATCCTGACGGATGCCACC[A>G]TGGAGAAGCTGGCACTGGCCAAATTTGTGGCCCAAGAATCGAAGTGTGAGGTAAGAACCT-3'
Protein context (NP_055979.2, residues 710-730): PYPSILTDAT[Met720Val]EKLALAKFVA